The following is an entry in ClinVar:

NM_139215.3(TAF15):c.485-4G>C

Gene: TAF15 (TATA-box binding protein associated factor 15; plus strand). Cytogenetic location: 17q12.
Variant type: single nucleotide variant.
Coding change: c.485-4G>C on transcript NM_139215.3 (MANE Select); 4 bases into the intron before coding-DNA position 485, G replaced by C.
Molecular consequence: intron variant.
Genome position (GRCh38, 1-based): chr17:35,824,074, G>C. VCF-style: chr17-35824074-G-C. GRCh37 (hg19) VCF-style: chr17-34151078-G-C.
Other names: p.?; c.476-4G>C (NM_003487.4).
Identifiers: ClinVar variation 731467 (VCV000731467.9), dbSNP rs4251755, ClinGen allele CA290024629.

ClinVar aggregate classification (germline): Benign/Likely benign. Review status: criteria provided, multiple submitters, no conflicts (2 of 4 stars). 5 submissions from 5 submitters: Benign (2); Likely benign (2). 1 of the submissions does not count toward it. Last evaluated 2025-01-06.

Conditions:
TAF15-related disorder. Also called: TAF15-related condition.

Allele frequency attached by ClinVar (database versions not stated): gnomAD exomes 0.00043 and 0.00108; ESP Exome Variant Server 0.00400; 1000 Genomes Project 30x 0.00390; TOPMed 0.00401; gnomAD 0.00408 and 0.00431; ExAC 0.00141; 1000 Genomes Project 0.00359.
gnomAD v4.1: 1,297 of 1,614,000 alleles (0.08%); highest among the groups gnomAD compares: African/African-American, 1.4%; 9 homozygotes.

Submissions (5):

Mayo Clinic Laboratories, Mayo Clinic
Classification: Benign. Last evaluated: 2025-01-06. Review status: criteria provided, single submitter. Criteria: ACMG Guidelines, 2015. Collection method: clinical testing. Allele origin: germline. Observed: 2 variant alleles.
Comment: BS1, BS2, BP4, BP7

GeneDx
Classification: Likely benign. Last evaluated: 2020-02-26. Review status: criteria provided, single submitter. Criteria: GeneDx Variant Classification Process June 2021. Collection method: clinical testing. Allele origin: germline. Affected: yes.

Labcorp Genetics (formerly Invitae), Labcorp
Classification: Benign. Last evaluated: 2018-06-26. Review status: criteria provided, single submitter. Criteria: Invitae Variant Classification Sherloc (09022015). Collection method: clinical testing. Allele origin: germline.

Breakthrough Genomics
Classification: Likely benign. Review status: criteria provided, single submitter. Criteria: ACMG Guidelines, 2015. Collection method: not provided. Allele origin: germline. Inheritance: Unknown mechanism. Affected: yes.

PreventionGenetics, part of Exact Sciences
Classification: Likely benign for TAF15-related condition. Last evaluated: 2019-02-27. Review status: no assertion criteria provided. Collection method: clinical testing. Allele origin: germline. Not counted in ClinVar's aggregate classification.
Comment: This variant is classified as likely benign based on ACMG/AMP sequence variant interpretation guidelines (Richards et al. 2015 PMID: 25741868, with internal and published modifications).